The following is an entry in ClinVar:

NM_001042492.3(NF1):c.4696A>G (p.Ser1566Gly)

Gene: NF1 (neurofibromin 1; plus strand). Cytogenetic location: 17q11.2.
Variant type: single nucleotide variant.
Coding change: c.4696A>G on transcript NM_001042492.3 (MANE Select); coding-DNA position 4696, A replaced by G.
Protein change: p.Ser1566Gly; replaces serine 1566 with glycine.
Molecular consequence: missense variant.
Genome position (GRCh38, 1-based): chr17:31,261,829, A>G. VCF-style: chr17-31261829-A-G. GRCh37 (hg19) VCF-style: chr17-29588847-A-G.
Other names: c.4633A>G, p.Ser1545Gly (NM_000267.4); short protein forms S1545G, S1566G.
Identifiers: ClinVar variation 2866549 (VCV002866549.3), dbSNP rs757165176, ClinGen allele CA8486454.
Genomic context (GRCh38, chr17:31,261,829, plus strand): 5'-CTGGGTCCTCCAGAGCACAAACCTGTGGCAGATACACACTGGTCCAGCCTTAACCTTACC[A>G]GTTCAAAGTTTGAGGAATTTATGACTAGGTAAAGTACAACCTTGAAATAGTTGATTGCTT-3'
Protein context (NP_001035957.1, residues 1556-1576): DTHWSSLNLT[Ser1566Gly]SKFEEFMTRH

ClinVar aggregate classification (germline): Uncertain significance (1 of 4 stars; one submission).

Conditions:
Neurofibromatosis, type 1 (NF1). Also called: Neurofibromatosis, type I; NEUROFIBROMATOSIS, TYPE I, SOMATIC; Peripheral type neurofibromatosis; VON RECKLINGHAUSEN DISEASE. Identifiers: Orphanet 636, MedGen C0027831, MONDO:0018975, OMIM 162200. Disease mechanism: loss of function.

Allele frequency attached by ClinVar (database versions not stated): gnomAD exomes below 0.00001; ExAC 0.00001.
gnomAD v4.1: 2 of 1,613,056 alleles (0.00012%); highest among the groups gnomAD compares: East Asian, 0.0022%; no homozygotes.

Submission:

Labcorp Genetics (formerly Invitae), Labcorp
Classification: Uncertain significance for Neurofibromatosis, type 1. Last evaluated: 2023-05-21. Review status: criteria provided, single submitter. Criteria: Invitae Variant Classification Sherloc (09022015). Collection method: clinical testing. Allele origin: germline.
Comment: This variant has not been reported in the literature in individuals affected with NF1-related conditions. This variant is present in population databases (rs757165176, gnomAD 0.006%). This sequence change replaces serine, which is neutral and polar, with glycine, which is neutral and non-polar, at codon 1545 of the NF1 protein (p.Ser1545Gly). In summary, the available evidence is currently insufficient to determine the role of this variant in disease. Therefore, it has been classified as a Variant of Uncertain Significance. Advanced modeling of protein sequence and biophysical properties (such as structural, functional, and spatial information, amino acid conservation, physicochemical variation, residue mobility, and thermodynamic stability) has been performed at Invitae for this missense variant, however the output from this modeling did not meet the statistical confidence thresholds required to predict the impact of this variant on NF1 protein function.